The following is an entry in ClinVar:

NM_021930.6(RINT1):c.31C>T (p.Pro11Ser)

Gene: RINT1 (RAD50 interactor 1; plus strand). Cytogenetic location: 7q22.3.
Variant type: single nucleotide variant.
Coding change: c.31C>T on transcript NM_021930.6 (MANE Select); coding-DNA position 31, C replaced by T.
Protein change: p.Pro11Ser; replaces proline 11 with serine.
Molecular consequence: missense variant. On other transcripts: 5 prime UTR variant (4), non-coding transcript variant (1).
Genome position (GRCh38, 1-based): chr7:105,532,346, C>T. VCF-style: chr7-105532346-C-T. GRCh37 (hg19) VCF-style: chr7-105172793-C-T.
Other names: c.-67C>T (NM_001346599.2); c.-989C>T (NM_001346600.2); c.-892C>T (NM_001346601.2); c.-512C>T (NM_001346603.2); short protein forms P11S.
Identifiers: ClinVar variation 3433631 (VCV003433631.1).

ClinVar aggregate classification (germline): Uncertain significance (1 of 4 stars; one submission).

gnomAD v4.1: 6 of 1,600,588 alleles (0.00037%); highest among the groups gnomAD compares: Non-Finnish European, 0.00051%; no homozygotes.

Submission:

Ambry Genetics
Classification: Uncertain significance. Last evaluated: 2024-10-05. Review status: criteria provided, single submitter. Criteria: Ambry Variant Classification Scheme 2023. Collection method: clinical testing. Allele origin: germline.
Comment: The p.P11S variant (also known as c.31C>T), located in coding exon 1 of the RINT1 gene, results from a C to T substitution at nucleotide position 31. The proline at codon 11 is replaced by serine, an amino acid with similar properties. This amino acid position is conserved. In addition, this alteration is predicted to be tolerated by in silico analysis. Based on the available evidence, the clinical significance of this variant remains unclear.